The following is an entry in ClinVar:

NM_020778.5(ALPK3):c.4592G>A (p.Cys1531Tyr)

Gene: ALPK3 (alpha kinase 3; plus strand). Cytogenetic location: 15q25.3.
Variant type: single nucleotide variant.
Coding change: c.4592G>A on transcript NM_020778.5 (MANE Select); coding-DNA position 4592, G replaced by A.
Protein change: p.Cys1531Tyr; replaces cysteine 1531 with tyrosine.
Molecular consequence: missense variant.
Genome position (GRCh38, 1-based): chr15:84,864,534, G>A. VCF-style: chr15-84864534-G-A. GRCh37 (hg19) VCF-style: chr15-85407765-G-A.
Other names: short protein forms C1531Y.
Identifiers: ClinVar variation 4841950 (VCV004841950.1).

ClinVar aggregate classification (germline): Uncertain significance (1 of 4 stars; one submission).

Conditions:
Cardiovascular phenotype. Identifiers: MedGen CN230736.

gnomAD v4.1: 2 of 1,614,212 alleles (0.00012%); highest among the groups gnomAD compares: Non-Finnish European, 0.000085%; no homozygotes.

Submission:

Ambry Genetics
Classification: Uncertain significance for Cardiovascular phenotype. Last evaluated: 2025-12-30. Review status: criteria provided, single submitter. Criteria: Ambry Variant Classification Scheme 2023. Collection method: clinical testing. Allele origin: germline.
Comment: The p.C1733Y variant (also known as c.5198G>A), located in coding exon 12 of the ALPK3 gene, results from a G to A substitution at nucleotide position 5198. The cysteine at codon 1733 is replaced by tyrosine, an amino acid with highly dissimilar properties. This amino acid position is conserved. In addition, the in silico prediction for this alteration is inconclusive. Based on the available evidence, the clinical significance of this variant remains unclear.